The following is an entry in ClinVar:

ClinVar aggregate classification (germline): Uncertain significance. Review status: criteria provided, multiple submitters, no conflicts (2 of 4 stars). 2 submissions from 2 submitters: Uncertain significance (2). Last evaluated 2026-04-15.

Conditions:
VPS13B-related disorder. Also called: VPS13B-related condition.

gnomAD v4.1: 6 of 1,613,882 alleles (0.00037%); highest among the groups gnomAD compares: South Asian, 0.0044%; no homozygotes.

Submissions (2):

PreventionGenetics, part of Exact Sciences
Classification: Uncertain significance for VPS13B-related condition. Last evaluated: 2026-04-15. Review status: criteria provided, single submitter. Criteria: ACMG Guidelines, 2015. Collection method: clinical testing. Allele origin: germline.
Comment: The VPS13B c.7733A>G variant is predicted to result in the amino acid substitution p.Gln2578Arg. To our knowledge, this variant has not been reported in the literature. This variant is reported in 0.0033% of alleles in individuals of South Asian descent in gnomAD. At this time, the clinical significance of this variant is uncertain due to the absence of conclusive functional and genetic evidence.

Blueprint Genetics
Classification: Uncertain significance. Last evaluated: 2022-09-07. Review status: criteria provided, single submitter. Criteria: ACMG Guidelines, 2015. Collection method: clinical testing. Allele origin: germline.

NM_152564.5(VPS13B):c.7733A>G (p.Gln2578Arg)

Gene: VPS13B (vacuolar protein sorting 13 homolog B; plus strand). Cytogenetic location: 8q22.2.
Variant type: single nucleotide variant.
Coding change: c.7733A>G on transcript NM_152564.5 (MANE Select); coding-DNA position 7733, A replaced by G.
Protein change: p.Gln2578Arg; replaces glutamine 2578 with arginine.
Molecular consequence: missense variant.
Genome position (GRCh38, 1-based): chr8:99,778,985, A>G. VCF-style: chr8-99778985-A-G. GRCh37 (hg19) VCF-style: chr8-100791213-A-G.
Other names: c.7808A>G, p.Gln2603Arg (NM_017890.5); short protein forms Q2603R, Q2578R.
Identifiers: ClinVar variation 4901247 (VCV004901247.2).
Genomic context (GRCh38, chr8:99,778,985, plus strand): 5'-TAGTGGAAAAGCTGCTTGACTGCACCGTGATAGTTGATTCTGTATTTGTAAACCTTGGAC[A>G]GCATGTAGTCCATTCACTAAACACTGCAATACAAGCTTGGCAACAGGTATGCACATTCCA-3'
Protein context (NP_689777.3, residues 2568-2588): IVDSVFVNLG[Gln2578Arg]HVVHSLNTAI